The following is an entry in ClinVar:

ClinVar aggregate classification (germline): Uncertain significance (1 of 4 stars; one submission).

Allele frequency attached by ClinVar (database versions not stated): gnomAD exomes below 0.00001; ExAC 0.00001; ESP Exome Variant Server 0.00008.

Submission:

Labcorp Genetics (formerly Invitae), Labcorp
Classification: Uncertain significance. Last evaluated: 2021-04-14. Review status: criteria provided, single submitter. Criteria: Invitae Variant Classification Sherloc (09022015). Collection method: clinical testing. Allele origin: germline.
Comment: This variant is present in population databases (rs146844737, ExAC 0.002%). This sequence change replaces valine with methionine at codon 820 of the NEFH protein (p.Val820Met). The valine residue is weakly conserved and there is a small physicochemical difference between valine and methionine. This variant has not been reported in the literature in individuals with NEFH-related conditions. Advanced modeling of protein sequence and biophysical properties (such as structural, functional, and spatial information, amino acid conservation, physicochemical variation, residue mobility, and thermodynamic stability) performed at Invitae indicates that this missense variant is not expected to disrupt NEFH protein function. In summary, the available evidence is currently insufficient to determine the role of this variant in disease. Therefore, it has been classified as a Variant of Uncertain Significance.

NM_021076.4(NEFH):c.2458G>A (p.Val820Met)

Gene: NEFH (neurofilament heavy chain; plus strand). Cytogenetic location: 22q12.2.
Variant type: single nucleotide variant.
Coding change: c.2458G>A on transcript NM_021076.4 (MANE Select); coding-DNA position 2458, G replaced by A.
Protein change: p.Val820Met; replaces valine 820 with methionine.
Molecular consequence: missense variant.
Genome position (GRCh38, 1-based): chr22:29,490,098, G>A. VCF-style: chr22-29490098-G-A. GRCh37 (hg19) VCF-style: chr22-29886087-G-A.
Other names: short protein forms V820M.
Identifiers: ClinVar variation 1422069 (VCV001422069.8), dbSNP rs146844737, ClinGen allele CA10174431.